The following is an entry in ClinVar:

NM_001378454.1(ALMS1):c.764+4G>A

Gene: ALMS1 (ALMS1 centrosome and basal body associated protein; plus strand). Cytogenetic location: 2p13.1.
Variant type: single nucleotide variant.
Coding change: c.764+4G>A on transcript NM_001378454.1 (MANE Select); 4 bases into the intron after coding-DNA position 764, G replaced by A.
Molecular consequence: intron variant.
Genome position (GRCh38, 1-based): chr2:73,422,978, G>A. VCF-style: chr2-73422978-G-A. GRCh37 (hg19) VCF-style: chr2-73650106-G-A.
Other names: c.764+4G>A (NM_015120.4); c.767+4G>A (NM_015120.4).
Identifiers: ClinVar variation 558065 (VCV000558065.5), dbSNP rs1167438151, ClinGen allele CA533683279.

ClinVar aggregate classification (germline): Uncertain significance. Review status: criteria provided, single submitter (1 of 4 stars). 2 submissions from 2 submitters: Uncertain significance (1). 1 of the submissions does not count toward it. Last evaluated 2022-10-20.

Conditions:
Alstrom syndrome (ALMS). Identifiers: Orphanet 64, MedGen C0268425, MONDO:0008763, OMIM 203800.

Allele frequency attached by ClinVar (database versions not stated): gnomAD exomes below 0.00001; gnomAD 0.00001; TOPMed 0.00001.
gnomAD v4.1: 5 of 1,595,626 alleles (0.00031%); highest among the groups gnomAD compares: Middle Eastern, 0.017%; no homozygotes.

Submissions (2):

Labcorp Genetics (formerly Invitae), Labcorp
Classification: Uncertain significance for Alstrom syndrome. Last evaluated: 2022-10-20. Review status: criteria provided, single submitter. Criteria: Invitae Variant Classification Sherloc (09022015). Collection method: clinical testing. Allele origin: germline.
Comment: This sequence change falls in intron 4 of the ALMS1 gene. It does not directly change the encoded amino acid sequence of the ALMS1 protein. It affects a nucleotide within the consensus splice site. This variant is present in population databases (no rsID available, gnomAD 0.0009%). This variant has not been reported in the literature in individuals affected with ALMS1-related conditions. ClinVar contains an entry for this variant (Variation ID: 558065). Variants that disrupt the consensus splice site are a relatively common cause of aberrant splicing (PMID: 17576681, 9536098). Algorithms developed to predict the effect of sequence changes on RNA splicing suggest that this variant is not likely to affect RNA splicing. In summary, the available evidence is currently insufficient to determine the role of this variant in disease. Therefore, it has been classified as a Variant of Uncertain Significance.

Counsyl
Classification: Uncertain significance for Alstrom syndrome. Last evaluated: 2018-04-26. Review status: no assertion criteria provided. Collection method: clinical testing. Allele origin: unknown. Not counted in ClinVar's aggregate classification.

Literature cited by the submitters: PubMed 17576681 (cited by Labcorp Genetics (formerly Invitae), Labcorp); PubMed 9536098 (cited by Labcorp Genetics (formerly Invitae), Labcorp).